The following is an entry in ClinVar:

ClinVar aggregate classification (germline): Conflicting classifications of pathogenicity. Review status: criteria provided, conflicting classifications (1 of 4 stars). 4 submissions from 4 submitters: Likely pathogenic (1); Uncertain significance (3). Last evaluated 2023-12-21.

Conditions:
Cobalamin C disease. Also called: methylmalonic aciduria and homocystinuria type cblC; Methylmalonic aciduria with homocystinuria cblC type; Methylmalonic aciduria and homocystinuria, Vitamin B12-responsive; Vitamin B12 metabolic defect with combined deficiency of methylmalonyl-CoA mutase and homocysteine:methyltetrahydrofolate methyltransferase; Cobalamin-C methylmalonic acidemia and homocystinuria; Methylmalonic acidemia and homocystinuria cblC type. Identifiers: Orphanet 26, Orphanet 79282, MedGen C1848561, MONDO:0010184, OMIM 277400.

Submissions (4):

Labcorp Genetics (formerly Invitae), Labcorp
Classification: Uncertain significance for Cobalamin C disease. Last evaluated: 2023-12-21. Review status: criteria provided, single submitter. Criteria: Invitae Variant Classification Sherloc (09022015). Collection method: clinical testing. Allele origin: germline.
Comment: This variant, c.792_818del, results in the deletion of 9 amino acid(s) of the MMACHC protein (p.Ser264_Pro272del), but otherwise preserves the integrity of the reading frame. This variant is present in population databases (rs753855245, gnomAD 0.003%). This variant has been observed in individual(s) with cobalamin C deficiency (PMID: 19370762). ClinVar contains an entry for this variant (Variation ID: 976664). Experimental studies and prediction algorithms are not available or were not evaluated, and the functional significance of this variant is currently unknown. In summary, the available evidence is currently insufficient to determine the role of this variant in disease. Therefore, it has been classified as a Variant of Uncertain Significance.

MGZ Medical Genetics Center
Classification: Uncertain significance for Cobalamin C disease. Last evaluated: 2022-02-25. Review status: criteria provided, single submitter. Criteria: ACMG Guidelines, 2015. Collection method: clinical testing. Allele origin: germline. Affected: yes. Observed: 1 variant allele.
Comment: ACMG criteria applied: PM4, PM2_SUP

Institute of Human Genetics Munich, TUM University Hospital
Classification: Likely pathogenic for Cobalamin C disease. Last evaluated: 2020-06-05. Review status: criteria provided, single submitter. Criteria: Classification criteria August 2017. Collection method: clinical testing. Allele origin: germline. Inheritance: Autosomal recessive inheritance. Affected: yes. Observed: 1 compound heterozygote.

Blueprint Genetics
Classification: Uncertain significance. Last evaluated: 2020-03-31. Review status: criteria provided, single submitter. Criteria: ACMG Guidelines, 2015. Collection method: clinical testing. Allele origin: germline.

Literature cited by the submitters: PubMed 19370762 (cited by Labcorp Genetics (formerly Invitae), Labcorp).

NM_015506.3(MMACHC):c.792_818del (p.Ser264_Pro272del)

Gene: MMACHC (metabolism of cobalamin associated C; plus strand). Cytogenetic location: 1p34.1.
Variant type: Deletion.
Coding change: c.792_818del on transcript NM_015506.3 (MANE Select); coding-DNA positions 792 to 818, 27 bases deleted (CAGAGCCCGGAGCTGGCTCAGCCCCAG).
Protein change: p.Ser264_Pro272del.
Molecular consequence: inframe deletion.
Genome position (GRCh38, 1-based): chr1:45,509,158-45,509,184, CAGAGCCCGGAGCTGGCTCAGCCCCAG deleted; deleting any 27 consecutive bases within chr1:45,509,153-45,509,184 gives the same sequence; the c. name uses the placement nearest the transcript's 3' end. VCF-style (leftmost placement, unchanged base first): chr1-45509152-TCCCAGCAGAGCCCGGAGCTGGCTCAGC-T. GRCh37 (hg19) VCF-style: chr1-45974824-TCCCAGCAGAGCCCGGAGCTGGCTCAGC-T.
Other names: c.621_647del, p.Ser207_Pro215del (NM_001330540.2).
Identifiers: ClinVar variation 976664 (VCV000976664.8), dbSNP rs753855245, ClinGen allele CA827861.